The following is an entry in ClinVar:

ClinVar aggregate classification (germline): Pathogenic. Review status: criteria provided, multiple submitters, no conflicts (2 of 4 stars). 2 submissions from 2 submitters: Pathogenic (2). Last evaluated 2026-01-05.

Conditions:
Cystic renal disease.
Polycystic kidney disease, adult type (PKD1). Also called: Polycystic Kidney Disease 1, Autosomal Dominant; Polycystic kidney disease 1; Polycystic kidney disease 1, severe; Polycystic Kidney, Autosomal Dominant; POLYCYSTIC KIDNEY DISEASE, ADULT, TYPE I; POLYCYSTIC KIDNEY DISEASE 1 WITH OR WITHOUT POLYCYSTIC LIVER DISEASE. Identifiers: MedGen C3149841, MONDO:0008263, OMIM 173900.

Submissions (2):

Genetics Laboratory, Great Ormond Street Hospital NHS Foundation Trust, North Thames Genomic Laboratory Hub
Classification: Pathogenic for Cystic renal disease. Last evaluated: 2026-01-05. Review status: criteria provided, single submitter. Criteria: ACGS Best Practice Guidelines for Variant Classification in Rare Disease 2024 v1.2. Collection method: clinical testing. Allele origin: germline. Affected: yes.
Comment: PS4_moderate, PM2_moderate, PVS1_very-strong

Juno Genomics, Hangzhou Juno Genomics, Inc
Classification: Pathogenic for Polycystic kidney disease, adult type. Review status: criteria provided, single submitter. Criteria: ACMG Guidelines, 2015. Collection method: clinical testing. Allele origin: germline.
Comment: Absent from controls (or at extremely low frequency if recessive) in Genome Aggregation Database.;Null variant in a gene where loss of function (LOF) is a known mechanism of disease.;The prevalence of the variant in affected individuals is significantly increased compared to the prevalence in controls.;Patient's phenotype or family history is highly specific for a disease with a single genetic etiology.

NM_001009944.3(PKD1):c.9202-2A>G

Gene: PKD1 (polycystin 1, transient receptor potential channel interacting; minus strand). Cytogenetic location: 16p13.3.
Variant type: single nucleotide variant.
Coding change: c.9202-2A>G on transcript NM_001009944.3 (MANE Select); the canonical splice acceptor site of the intron before coding-DNA position 9202, A replaced by G.
Molecular consequence: splice acceptor variant.
Genome position (GRCh38, 1-based): chr16:2,102,258, T>C on the plus strand (A>G on the coding strand, the complement: PKD1 is on the minus strand). VCF-style: chr16-2102258-T-C. GRCh37 (hg19) VCF-style: chr16-2152259-T-C.
Other names: c.9202-2A>G (NM_000296.4).
Identifiers: ClinVar variation 4813109 (VCV004813109.3).